The following is an entry in ClinVar:

NM_080680.3(COL11A2):c.3287G>T (p.Gly1096Val)

Gene: COL11A2 (collagen type XI alpha 2 chain; minus strand). Cytogenetic location: 6p21.32.
Variant type: single nucleotide variant.
Coding change: c.3287G>T on transcript NM_080680.3 (MANE Select); coding-DNA position 3287, G replaced by T.
Protein change: p.Gly1096Val; replaces glycine 1096 with valine.
Molecular consequence: missense variant.
Genome position (GRCh38, 1-based): chr6:33,171,296, C>A on the plus strand (G>T on the coding strand, the complement: COL11A2 is on the minus strand). VCF-style: chr6-33171296-C-A. GRCh37 (hg19) VCF-style: chr6-33139073-C-A.
Other names: c.3107G>T, p.Gly1036Val (NM_001424108.1); c.2441G>T, p.Gly814Val (NM_001424109.1); c.2261G>T, p.Gly754Val (NM_001424110.1, NM_001424111.1); c.1241G>T, p.Gly414Val (NM_001424112.1); c.2966G>T, p.Gly989Val (NM_080679.3); c.3029G>T, p.Gly1010Val (NM_080681.3); short protein forms G1010V, G1036V, G1096V, G414V, G754V, G814V, G989V.
Identifiers: ClinVar variation 3361342 (VCV003361342.1).
Genomic context (GRCh38, chr6:33,171,296, plus strand): 5'-CCAGGAGGTCAGAAGTCAAGGTCATGGACACTTACATGTTCACCCTTGTTCCCTTTGGTG[C>A]CCTTCTGTCCGGGGTCCCCCACCTCACCCTGGGAGGAGAAGGCAGACAAGATATTAGAGA-3'
Protein context (NP_542411.2, residues 1086-1106): KGEVGDPGQK[Gly1096Val]TKGNKGEHGP

ClinVar aggregate classification (germline): Uncertain significance (1 of 4 stars; one submission).

Submission:

GeneDx
Classification: Uncertain significance. Last evaluated: 2023-07-19. Review status: criteria provided, single submitter. Criteria: GeneDx Variant Classification Process June 2021. Collection method: clinical testing. Allele origin: germline. Affected: yes.
Comment: Not observed at significant frequency in large population cohorts (gnomAD); In silico analysis supports that this missense variant has a deleterious effect on protein structure/function; Has not been previously published as pathogenic or benign to our knowledge